The following is an entry in ClinVar:

ClinVar aggregate classification (germline): Conflicting classifications of pathogenicity. Review status: criteria provided, conflicting classifications (1 of 4 stars). 5 submissions from 5 submitters: Uncertain significance (4); Likely benign (1). Last evaluated 2025-10-30.

Conditions:
Hereditary cancer-predisposing syndrome. Also called: Hereditary neoplastic syndrome; Tumor predisposition; Neoplastic Syndromes, Hereditary; Hereditary Cancer Syndrome. Identifiers: Orphanet 140162, MedGen C0027672, MeSH D009386, MONDO:0015356.
Hereditary breast ovarian cancer syndrome. Also called: Hereditary breast and ovarian cancer; Hereditary breast and/or ovarian cancer syndrome; Hereditary breast and ovarian cancer syndrome; Hereditary breast and ovarian cancer syndrome (HBOC); Breast and ovarian cancer; BRCA1- and BRCA2-Associated Hereditary Breast and Ovarian Cancer. Identifiers: Orphanet 145, MedGen C0677776, MeSH D061325, MONDO:0003582. Disease mechanism: loss of function.

Allele frequency attached by ClinVar (database versions not stated): TOPMed below 0.00001.
gnomAD v4.1: 2 of 1,591,548 alleles (0.00013%); no homozygotes.

Submissions (5):

Ambry Genetics
Classification: Uncertain significance for Hereditary cancer-predisposing syndrome. Last evaluated: 2025-10-30. Review status: criteria provided, single submitter. Criteria: Ambry Variant Classification Scheme 2023. Collection method: clinical testing. Allele origin: germline.
Comment: The p.E1695V variant (also known as c.5084A>T), located in coding exon 10 of the BRCA2 gene, results from an A to T substitution at nucleotide position 5084. The glutamic acid at codon 1695 is replaced by valine, an amino acid with dissimilar properties. This amino acid position is not well conserved in available vertebrate species. In addition, the in silico prediction for this alteration is inconclusive. Since supporting evidence is limited at this time, the clinical significance of this alteration remains unclear.

Labcorp Genetics (formerly Invitae), Labcorp
Classification: Uncertain significance for Hereditary breast ovarian cancer syndrome. Last evaluated: 2025-04-22. Review status: criteria provided, single submitter. Criteria: Invitae Variant Classification Sherloc (09022015). Collection method: clinical testing. Allele origin: germline.
Comment: This sequence change replaces glutamic acid, which is acidic and polar, with valine, which is neutral and non-polar, at codon 1695 of the BRCA2 protein (p.Glu1695Val). This variant is not present in population databases (gnomAD no frequency). This variant has not been reported in the literature in individuals affected with BRCA2-related conditions. ClinVar contains an entry for this variant (Variation ID: 419093). Invitae Evidence Modeling of protein sequence and biophysical properties (such as structural, functional, and spatial information, amino acid conservation, physicochemical variation, residue mobility, and thermodynamic stability) indicates that this missense variant is not expected to disrupt BRCA2 protein function with a negative predictive value of 95%. In summary, the available evidence is currently insufficient to determine the role of this variant in disease. Therefore, it has been classified as a Variant of Uncertain Significance.

University of Washington Department of Laboratory Medicine, University of Washington
Classification: Likely benign for Hereditary cancer-predisposing syndrome. Last evaluated: 2023-03-23. Review status: criteria provided, single submitter. Criteria: Dines et al. (Genet Med. 2020). Collection method: curation. Allele origin: germline.
Comment: Missense variant in a coldspot region where missense variants are very unlikely to be pathogenic (PMID:31911673).

BRCA2 exon 11 coldspot. Reclassification based on statistical prior probability.

Color Diagnostics, LLC DBA Color Health
Classification: Uncertain significance for Hereditary cancer-predisposing syndrome. Last evaluated: 2020-03-16. Review status: criteria provided, single submitter. Criteria: ACMG Guidelines, 2015. Collection method: clinical testing. Allele origin: germline.
Comment: This missense variant replaces glutamic acid with valine at codon 1695 of the BRCA2 protein. Computational prediction is inconclusive regarding the impact of this variant on protein structure and function (internally defined REVEL score threshold 0.5 < inconclusive < 0.7, PMID: 27666373). Splice site prediction tools suggest that this variant may not impact RNA splicing. An experimental functional study reported this variant as neutral using PARP-sensitivity, BRCA2 rescue assays (DOI: 10.1101/2020.01.17.911057). This variant has not been reported in individuals affected with hereditary cancer in the literature. This variant has not been identified in the general population by the Genome Aggregation Database (gnomAD). The available evidence is insufficient to determine the role of this variant in disease conclusively. Therefore, this variant is classified as a Variant of Uncertain Significance.

GeneDx
Classification: Uncertain significance. Last evaluated: 2015-05-20. Review status: criteria provided, single submitter. Criteria: GeneDx Variant Classification (06012015). Collection method: clinical testing. Allele origin: germline. Affected: yes.
Comment: This variant is denoted BRCA2 c.5084A>T at the cDNA level, p.Glu1695Val (E1695V) at the protein level, and results in the change of a Glutamic Acid to a Valine (GAA>GTA). Using alternate nomenclature, this variant would be defined as BRCA2 5312A>T. This variant has not, to our knowledge, been published in the literature as pathogenic or benign. BRCA2 Glu1695Val was not observed in approximately 6,500 individuals of European and African American ancestry in the NHLBI Exome Sequencing Project, indicating it is not a common benign variant in these populations. Since Glutamic Acid and Valine differ in polarity, charge, size or other properties, this is considered a non-conservative amino acid substitution. BRCA2 Glu1695Val occurs at a position that is not conserved and is located in the BRC repeat region (Narod 2004, Roy 2012). In silico analyses are inconsistent regarding the effect this variant may have on protein structure and function. Based on currently available information, it is unclear whether BRCA2 Glu1695Val is pathogenic or benign. We consider it to be a variant of uncertain significance.

NM_000059.4(BRCA2):c.5084A>T (p.Glu1695Val)

Gene: BRCA2 (BRCA2 DNA repair associated; plus strand). Cytogenetic location: 13q13.1.
Variant type: single nucleotide variant.
Coding change: c.5084A>T on transcript NM_000059.4 (MANE Select); coding-DNA position 5084, A replaced by T.
Protein change: p.Glu1695Val; replaces glutamic acid 1695 with valine.
Molecular consequence: missense variant.
Genome position (GRCh38, 1-based): chr13:32,339,439, A>T. VCF-style: chr13-32339439-A-T. GRCh37 (hg19) VCF-style: chr13-32913576-A-T.
Other names: short protein forms E1695V.
Identifiers: ClinVar variation 419093 (VCV000419093.17), dbSNP rs397507347, ClinGen allele CA16619717.